The following is an entry in ClinVar:

ClinVar aggregate classification (germline): Likely pathogenic (1 of 4 stars; one submission).

Conditions:
6-Pyruvoyl-tetrahydrobiopterin synthase deficiency. Also called: 6-Pyruvoyltetrahydropterin Synthase Deficiency; HYPERPHENYLALANINEMIA, TETRAHYDROBIOPTERIN-DEFICIENT, DUE TO PTS DEFICIENCY; PTS-Related Tetrahydrobiopterin Deficiency; PTS DEFICIENCY; Hyperphenylalanemia, BH4-deficient, A; Hyperphenylalaninemia due to 6-pyruvoyl-tetrahydropterin synthase deficiency. Identifiers: Orphanet 13, Orphanet 238583, MedGen C0878676, MONDO:0009863, OMIM 261640.

Submission:

Labcorp Genetics (formerly Invitae), Labcorp
Classification: Likely pathogenic for 6-Pyruvoyl-tetrahydrobiopterin synthase deficiency. Last evaluated: 2024-10-16. Review status: criteria provided, single submitter. Criteria: Invitae Variant Classification Sherloc (09022015). Collection method: clinical testing. Allele origin: germline.
Comment: This sequence change affects a donor splice site in intron 4 of the PTS gene. It is expected to disrupt RNA splicing. Variants that disrupt the donor or acceptor splice site typically lead to a loss of protein function (PMID: 16199547), and loss-of-function variants in PTS are known to be pathogenic (PMID: 3297709, 16917893). This variant is not present in population databases (gnomAD no frequency). This variant has not been reported in the literature in individuals affected with PTS-related conditions. ClinVar contains an entry for this variant (Variation ID: 2127771). Algorithms developed to predict the effect of sequence changes on RNA splicing suggest that this variant may disrupt the consensus splice site. In summary, the currently available evidence indicates that the variant is pathogenic, but additional data are needed to prove that conclusively. Therefore, this variant has been classified as Likely Pathogenic.

Literature cited by the submitters: PubMed 16199547; PubMed 3297709; PubMed 16917893.

NM_000317.3(PTS):c.243+1G>T

Gene: PTS (6-pyruvoyltetrahydropterin synthase; plus strand). Cytogenetic location: 11q23.1.
Variant type: single nucleotide variant.
Coding change: c.243+1G>T on transcript NM_000317.3 (MANE Select); the canonical splice donor site of the intron after coding-DNA position 243, G replaced by T.
Molecular consequence: splice donor variant.
Genome position (GRCh38, 1-based): chr11:112,230,683, G>T. VCF-style: chr11-112230683-G-T. GRCh37 (hg19) VCF-style: chr11-112101406-G-T.
Identifiers: ClinVar variation 2127771 (VCV002127771.4), dbSNP rs2496567659, ClinGen allele CA382627740.